The following is an entry in ClinVar:

ClinVar aggregate classification (germline): Uncertain significance. Review status: criteria provided, multiple submitters, no conflicts (2 of 4 stars). 2 submissions from 2 submitters: Uncertain significance (2). Last evaluated 2025-05-01.

Allele frequency attached by ClinVar (database versions not stated): gnomAD 0.00002 and 0.00003; TOPMed 0.00003; gnomAD exomes below 0.00001.

Submissions (2):

Ambry Genetics
Classification: Uncertain significance. Last evaluated: 2025-05-01. Review status: criteria provided, single submitter. Criteria: Ambry Variant Classification Scheme 2023. Collection method: clinical testing. Allele origin: germline.

Labcorp Genetics (formerly Invitae), Labcorp
Classification: Uncertain significance. Last evaluated: 2021-09-01. Review status: criteria provided, single submitter. Criteria: Invitae Variant Classification Sherloc (09022015). Collection method: clinical testing. Allele origin: germline.
Comment: This sequence change replaces valine with phenylalanine at codon 4 of the COX6A1 protein (p.Val4Phe). The valine residue is weakly conserved and there is a small physicochemical difference between valine and phenylalanine. This variant is not present in population databases (ExAC no frequency). This variant has not been reported in the literature in individuals affected with COX6A1-related conditions. Experimental studies and prediction algorithms are not available or were not evaluated, and the functional significance of this variant is currently unknown. In summary, the available evidence is currently insufficient to determine the role of this variant in disease. Therefore, it has been classified as a Variant of Uncertain Significance.

NM_004373.4(COX6A1):c.10G>T (p.Val4Phe)

Gene: COX6A1 (cytochrome c oxidase subunit 6A1; plus strand). Cytogenetic location: 12q24.31.
Variant type: single nucleotide variant.
Coding change: c.10G>T on transcript NM_004373.4 (MANE Select); coding-DNA position 10, G replaced by T.
Protein change: p.Val4Phe; replaces valine 4 with phenylalanine.
Molecular consequence: missense variant.
Genome position (GRCh38, 1-based): chr12:120,438,136, G>T. VCF-style: chr12-120438136-G-T. GRCh37 (hg19) VCF-style: chr12-120875939-G-T.
Other names: c.10G>T (NM_004373.2); short protein forms V4F.
Identifiers: ClinVar variation 1363414 (VCV001363414.7), dbSNP rs952531441, ClinGen allele CA244444977.